The following is an entry in ClinVar:

NM_001887.4(CRYBB1):c.234G>T (p.Gly78=)

Genes: CRYBA4 (crystallin beta A4; plus strand), CRYBB1 (crystallin beta B1; minus strand). Cytogenetic location: 22q12.1.
Variant type: single nucleotide variant.
Coding change: c.234G>T on transcript NM_001887.4 (MANE Select); coding-DNA position 234, G replaced by T.
Protein change: p.Gly78=; no amino-acid change (glycine 78 retained).
Molecular consequence: synonymous variant.
Genome position (GRCh38, 1-based): chr22:26,612,137, C>A on the plus strand (G>T on the coding strand, the complement: CRYBB1 is on the minus strand). VCF-style: chr22-26612137-C-A. GRCh37 (hg19) VCF-style: chr22-27008101-C-A.
Identifiers: ClinVar variation 581088 (VCV000581088.9), dbSNP rs1569206910, ClinGen allele CA513928335.

ClinVar aggregate classification (germline): Uncertain significance (1 of 4 stars; one submission).

Conditions:
Cataract 17 multiple types. Also called: CATARACT 17, PULVERULENT; CATARACT 17, CONGENITAL NUCLEAR, AUTOSOMAL RECESSIVE. Identifiers: Orphanet 91492, MedGen C3888124, MONDO:0012688, OMIM 611544.

Submission:

Labcorp Genetics (formerly Invitae), Labcorp
Classification: Uncertain significance for Cataract 17 multiple types. Last evaluated: 2018-06-17. Review status: criteria provided, single submitter. Criteria: Invitae Variant Classification Sherloc (09022015). Collection method: clinical testing. Allele origin: germline.
Comment: This variant has not been reported in the literature in individuals with CRYBB1-related disease. In summary, the available evidence is currently insufficient to determine the role of this variant in disease. Therefore, it has been classified as a Variant of Uncertain Significance. Algorithms developed to predict the effect of sequence changes on RNA splicing suggest that this variant may create or strengthen a splice site, but this prediction has not been confirmed by published transcriptional studies. This variant is not present in population databases (ExAC no frequency). This sequence change affects codon 78 of the CRYBB1 mRNA. It is a 'silent' change, meaning that it does not change the encoded amino acid sequence of the CRYBB1 protein.